The following is an entry in ClinVar:

ClinVar aggregate classification (germline): Benign (1 of 4 stars; one submission).

Conditions:
Pseudohypoaldosteronism type 2E (PHA2E). Also called: Pseudohypoaldosteronism Type IIE. Identifiers: Orphanet 300530, Orphanet 757, MedGen C3469606, MONDO:0013782, OMIM 614496.

Allele frequency attached by ClinVar (database versions not stated): gnomAD exomes 0.00054; 1000 Genomes Project 30x 0.00141; 1000 Genomes Project 0.00160; gnomAD 0.00222 and 0.00230; TOPMed 0.00242.
gnomAD v4.1: 375 of 231,650 alleles (0.16%); highest among the groups gnomAD compares: African/African-American, 0.69%; 4 homozygotes.

Submission:

Illumina Laboratory Services, Illumina
Classification: Benign for Pseudohypoaldosteronism type 2E. Last evaluated: 2018-01-12. Review status: criteria provided, single submitter. Criteria: ICSL Variant Classification Criteria 13 December 2019. Collection method: clinical testing. Allele origin: germline.
Comment: This variant was observed in the ICSL laboratory as part of a predisposition screen in an ostensibly healthy population. It had not been previously curated by ICSL or reported in the Human Gene Mutation Database (HGMD: prior to June 1st, 2018), and was therefore a candidate for classification through an automated scoring system. Utilizing variant allele frequency, disease prevalence and penetrance estimates, and inheritance mode, an automated score was calculated to assess if this variant is too frequent to cause the disease. Based on the score and internal cut-off values, a variant classified as benign is not then subjected to further curation. The score for this variant resulted in a classification of benign for this disease.

NM_003590.5(CUL3):c.*3665T>A

Gene: CUL3 (cullin 3; minus strand). Cytogenetic location: 2q36.2.
Variant type: single nucleotide variant.
Coding change: c.*3665T>A on transcript NM_003590.5 (MANE Select); 3665 bases downstream of the stop codon, T replaced by A.
Molecular consequence: 3 prime UTR variant.
Genome position (GRCh38, 1-based): chr2:224,470,580, A>T on the plus strand (T>A on the coding strand, the complement: CUL3 is on the minus strand). VCF-style: chr2-224470580-A-T. GRCh37 (hg19) VCF-style: chr2-225335297-A-T.
Other names: c.*3665T>A (NM_001257197.2, NM_001257198.2).
Identifiers: ClinVar variation 334576 (VCV000334576.6), dbSNP rs374191606, ClinGen allele CA10612909.